The following is an entry in ClinVar:

ClinVar aggregate classification (germline): Benign. Review status: criteria provided, single submitter (1 of 4 stars). 2 submissions from 2 submitters: Benign (1). 1 of the submissions does not count toward it. Last evaluated 2025-07-13.

Conditions:
KMT2D-related disorder. Also called: KMT2D-Related Disorders.
Kabuki syndrome. Also called: NIIKAWA-KUROKI SYNDROME; Kabuki make-up syndrome. Identifiers: Orphanet 2322, MedGen C0796004, MONDO:0016512.

Allele frequency attached by ClinVar (database versions not stated): gnomAD exomes below 0.00001; ExAC 0.00001.
gnomAD v4.1: 5 of 1,613,116 alleles (0.00031%); highest among the groups gnomAD compares: South Asian, 0.0022%; no homozygotes.

Submissions (2):

Labcorp Genetics (formerly Invitae), Labcorp
Classification: Benign for Kabuki syndrome. Last evaluated: 2025-07-13. Review status: criteria provided, single submitter. Criteria: Invitae Variant Classification Sherloc (09022015). Collection method: clinical testing. Allele origin: germline.

PreventionGenetics, part of Exact Sciences
Classification: Likely benign for KMT2D-related condition. Last evaluated: 2020-09-30. Review status: no assertion criteria provided. Collection method: clinical testing. Allele origin: germline. Not counted in ClinVar's aggregate classification.
Comment: This variant is classified as likely benign based on ACMG/AMP sequence variant interpretation guidelines (Richards et al. 2015 PMID: 25741868, with internal and published modifications).

NM_003482.4(KMT2D):c.1479C>T (p.Pro493=)

Gene: KMT2D (lysine methyltransferase 2D; minus strand). Cytogenetic location: 12q13.12.
Variant type: single nucleotide variant.
Coding change: c.1479C>T on transcript NM_003482.4 (MANE Select); coding-DNA position 1479, C replaced by T.
Protein change: p.Pro493=; no amino-acid change (proline 493 retained).
Molecular consequence: synonymous variant.
Genome position (GRCh38, 1-based): chr12:49,052,204, G>A on the plus strand (C>T on the coding strand, the complement: KMT2D is on the minus strand). VCF-style: chr12-49052204-G-A. GRCh37 (hg19) VCF-style: chr12-49445987-G-A.
Identifiers: ClinVar variation 3032995 (VCV003032995.3), dbSNP rs750444806, ClinGen allele CA6548474.